The following is an entry in ClinVar:

NM_001166108.2(PALLD):c.1965-12956G>C

Gene: PALLD (palladin, cytoskeletal associated protein; plus strand). Cytogenetic location: 4q32.3.
Variant type: single nucleotide variant.
Coding change: c.1965-12956G>C on transcript NM_001166108.2 (MANE Select); 12956 bases into the intron before coding-DNA position 1965, G replaced by C.
Molecular consequence: intron variant. On other transcripts: missense variant (1).
Genome position (GRCh38, 1-based): chr4:168,877,966, G>C. VCF-style: chr4-168877966-G-C. GRCh37 (hg19) VCF-style: chr4-169799117-G-C.
Other names: c.75G>C, p.Gln25His (NM_001166110.2); c.1965-12956G>C (NM_016081.4); c.819-12956G>C (NM_001166109.2); c.-157-12956G>C (NM_001367570.1, NM_001367568.1, NM_001367567.1 and 1 more transcripts); short protein forms Q25H.
Identifiers: ClinVar variation 3885350 (VCV003885350.1).
Genomic context (GRCh38, chr4:168,877,966, plus strand): 5'-CTCCCGCTCCGCCCCCGCCATGCAGTCCTCCGGCTCCTTCAACTACGCGCGCCCCAAGCA[G>C]TTCATCGCCGCGCAGAACCTCGGGCCCGCGTCGGGCCACGGCACGCCGGCCTCCAGCCCC-3'

ClinVar aggregate classification (germline): Uncertain significance (1 of 4 stars; one submission).

Submission:

Ambry Genetics
Classification: Uncertain significance. Last evaluated: 2025-02-20. Review status: criteria provided, single submitter. Criteria: Ambry Variant Classification Scheme 2023. Collection method: clinical testing. Allele origin: germline.
Comment: The p.Q25H variant (also known as c.75G>C), located in coding exon 1 of the PALLD gene, results from a G to C substitution at nucleotide position 75. The glutamine at codon 25 is replaced by histidine, an amino acid with highly similar properties. This amino acid position is conserved. In addition, the in silico prediction for this alteration is inconclusive. Based on the available evidence, the clinical significance of this variant remains unclear.